The following is an entry in ClinVar:

ClinVar aggregate classification (germline): Uncertain significance (1 of 4 stars; one submission).

Conditions:
Hereditary cancer-predisposing syndrome. Also called: Neoplastic Syndromes, Hereditary; Tumor predisposition; Hereditary neoplastic syndrome; Hereditary Cancer Syndrome. Identifiers: Orphanet 140162, MedGen C0027672, MeSH D009386, MONDO:0015356.

gnomAD v4.1: 2 of 1,613,868 alleles (0.00012%); highest among the groups gnomAD compares: Non-Finnish European, 0.000085%; no homozygotes.

Submission:

Ambry Genetics
Classification: Uncertain significance for Hereditary cancer-predisposing syndrome. Last evaluated: 2019-09-20. Review status: criteria provided, single submitter. Criteria: Ambry Variant Classification Scheme 2023. Collection method: clinical testing. Allele origin: germline.
Comment: The p.S2247F variant (also known as c.6740C>T), located in coding exon 15 of the APC gene, results from a C to T substitution at nucleotide position 6740. The serine at codon 2247 is replaced by phenylalanine, an amino acid with highly dissimilar properties. In one study, this alteration was identified in 1/26 Chinese patients with triple negative breast cancer, co-occurring with a pathogenic BRCA1 mutation; however, no features of familial adenomatous polyposis were mentioned by the study authors (Liu X et al. Cancer Med, 2017 03;6:547-554). This amino acid position is not well conserved in available vertebrate species. In addition, in silico predictors for this gene do not accurately predict pathogenicity. Since supporting evidence is limited at this time, the clinical significance of this alteration remains unclear.

Literature cited by the submitters: PubMed 28135048.

NM_000038.6(APC):c.6740C>T (p.Ser2247Phe)

Gene: APC (APC regulator of Wnt signaling pathway; plus strand). Cytogenetic location: 5q22.2.
Variant type: single nucleotide variant.
Coding change: c.6740C>T on transcript NM_000038.6 (MANE Select); coding-DNA position 6740, C replaced by T.
Protein change: p.Ser2247Phe; replaces serine 2247 with phenylalanine.
Molecular consequence: missense variant.
Genome position (GRCh38, 1-based): chr5:112,842,334, C>T. VCF-style: chr5-112842334-C-T. GRCh37 (hg19) VCF-style: chr5-112178031-C-T.
Other names: c.6740C>T, p.Ser2247Phe (NM_001127510.3, NM_001354895.2); c.6686C>T, p.Ser2229Phe (NM_001127511.3); c.6794C>T, p.Ser2265Phe (NM_001354896.2); c.6770C>T, p.Ser2257Phe (NM_001354897.2); c.6665C>T, p.Ser2222Phe (NM_001354898.2); c.6656C>T, p.Ser2219Phe (NM_001354899.2); c.6617C>T, p.Ser2206Phe (NM_001354900.2); c.6563C>T, p.Ser2188Phe (NM_001354901.2); and 5 more; short protein forms S2087F, S2219F, S2222F, S2247F, S2257F, S1964F, S2206F, S2146F.
Identifiers: ClinVar variation 826594 (VCV000826594.4), dbSNP rs1320484906, ClinGen allele CA16036062.